The following is an entry in ClinVar:

NM_000465.4(BARD1):c.1050A>T (p.Gln350His)

Gene: BARD1 (BRCA1 associated RING domain 1; minus strand). Cytogenetic location: 2q35.
Variant type: single nucleotide variant.
Coding change: c.1050A>T on transcript NM_000465.4 (MANE Select); coding-DNA position 1050, A replaced by T.
Protein change: p.Gln350His; replaces glutamine 350 with histidine.
Molecular consequence: missense variant. On other transcripts: non-coding transcript variant (2), intron variant (3).
Genome position (GRCh38, 1-based): chr2:214,780,824, T>A on the plus strand (A>T on the coding strand, the complement: BARD1 is on the minus strand). VCF-style: chr2-214780824-T-A. GRCh37 (hg19) VCF-style: chr2-215645548-T-A.
Other names: c.993A>T, p.Gln331His (NM_001282543.2); c.159-28269A>T (NM_001282548.2); c.215+16237A>T (NM_001282545.2); c.364+11473A>T (NM_001282549.2); c.1050A>T (NM_000465.2); short protein forms Q350H, Q331H.
Identifiers: ClinVar variation 406732 (VCV000406732.16), dbSNP rs1060501277, ClinGen allele CA16610592.

ClinVar aggregate classification (germline): Uncertain significance. Review status: criteria provided, multiple submitters, no conflicts (2 of 4 stars). 3 submissions from 3 submitters: Uncertain significance (3). Last evaluated 2024-07-07.

Conditions:
Hereditary cancer-predisposing syndrome. Also called: Hereditary Cancer Syndrome; Hereditary neoplastic syndrome; Neoplastic Syndromes, Hereditary; Tumor predisposition. Identifiers: Orphanet 140162, MedGen C0027672, MeSH D009386, MONDO:0015356.
Familial cancer of breast. Also called: BREAST CANCER, FAMILIAL; Hereditary breast cancer; hereditary breast carcinoma. Identifiers: Orphanet 227535, MedGen C0346153, MONDO:0016419, OMIM 114480. Disease mechanism: loss of function.

Allele frequency attached by ClinVar (database versions not stated): TOPMed 0.00001.

Submissions (3):

Ambry Genetics
Classification: Uncertain significance for Hereditary cancer-predisposing syndrome. Last evaluated: 2024-07-07. Review status: criteria provided, single submitter. Criteria: Ambry Variant Classification Scheme 2023. Collection method: clinical testing. Allele origin: germline.
Comment: The p.Q350H variant (also known as c.1050A>T), located in coding exon 4 of the BARD1 gene, results from an A to T substitution at nucleotide position 1050. The glutamine at codon 350 is replaced by histidine, an amino acid with highly similar properties. This amino acid position is conserved. In addition, this alteration is predicted to be tolerated by in silico analysis. Based on the available evidence, the clinical significance of this variant remains unclear.

Labcorp Genetics (formerly Invitae), Labcorp
Classification: Uncertain significance for Familial cancer of breast. Last evaluated: 2024-02-13. Review status: criteria provided, single submitter. Criteria: Invitae Variant Classification Sherloc (09022015). Collection method: clinical testing. Allele origin: germline.
Comment: This sequence change replaces glutamine, which is neutral and polar, with histidine, which is basic and polar, at codon 350 of the BARD1 protein (p.Gln350His). This variant is not present in population databases (gnomAD no frequency). This variant has not been reported in the literature in individuals affected with BARD1-related conditions. ClinVar contains an entry for this variant (Variation ID: 406732). Algorithms developed to predict the effect of missense changes on protein structure and function output the following: SIFT: "Not Available"; PolyPhen-2: "Benign"; Align-GVGD: "Not Available". The histidine amino acid residue is found in multiple mammalian species, which suggests that this missense change does not adversely affect protein function. In summary, the available evidence is currently insufficient to determine the role of this variant in disease. Therefore, it has been classified as a Variant of Uncertain Significance.

Color Diagnostics, LLC DBA Color Health
Classification: Uncertain significance for Hereditary cancer-predisposing syndrome. Last evaluated: 2023-12-04. Review status: criteria provided, single submitter. Criteria: ACMG Guidelines, 2015. Collection method: clinical testing. Allele origin: germline.
Comment: This missense variant replaces glutamine with histidine at codon 350 of the BARD1 protein. Computational prediction suggests that this variant may not impact protein structure and function (internally defined REVEL score threshold <= 0.5, PMID: 27666373). To our knowledge, functional studies have not been reported for this variant. This variant has not been reported in individuals affected with BARD1-related disorders in the literature. This variant has not been identified in the general population by the Genome Aggregation Database (gnomAD). The available evidence is insufficient to determine the role of this variant in disease conclusively. Therefore, this variant is classified as a Variant of Uncertain Significance.